The following is an entry in ClinVar:

ClinVar aggregate classification (germline): Uncertain significance. Review status: criteria provided, multiple submitters, no conflicts (2 of 4 stars). 2 submissions from 2 submitters: Uncertain significance (2). Last evaluated 2023-10-03.

Allele frequency attached by ClinVar (database versions not stated): gnomAD 0.00001; TOPMed 0.00001; gnomAD exomes 0.00002.
gnomAD v4.1: 30 of 1,614,014 alleles (0.0019%); highest among the groups gnomAD compares: Non-Finnish European, 0.0025%; no homozygotes.

Submissions (2):

Labcorp Genetics (formerly Invitae), Labcorp
Classification: Uncertain significance. Last evaluated: 2023-10-03. Review status: criteria provided, single submitter. Criteria: Invitae Variant Classification Sherloc (09022015). Collection method: clinical testing. Allele origin: germline.
Comment: This sequence change replaces serine, which is neutral and polar, with phenylalanine, which is neutral and non-polar, at codon 81 of the VPS13D protein (p.Ser81Phe). This variant is not present in population databases (gnomAD no frequency). This variant has not been reported in the literature in individuals affected with VPS13D-related conditions. ClinVar contains an entry for this variant (Variation ID: 2193205). Advanced modeling of protein sequence and biophysical properties (such as structural, functional, and spatial information, amino acid conservation, physicochemical variation, residue mobility, and thermodynamic stability) performed at Invitae indicates that this missense variant is not expected to disrupt VPS13D protein function. In summary, the available evidence is currently insufficient to determine the role of this variant in disease. Therefore, it has been classified as a Variant of Uncertain Significance.

CeGaT Center for Human Genetics Tuebingen
Classification: Uncertain significance. Last evaluated: 2022-07-01. Review status: criteria provided, single submitter. Criteria: CeGaT Center For Human Genetics Tuebingen Variant Classification Criteria Version 2. Collection method: clinical testing. Allele origin: germline. Affected: yes. Observed: 1 variant allele.

NM_015378.4(VPS13D):c.242C>T (p.Ser81Phe)

Gene: VPS13D (vacuolar protein sorting 13 homolog D; plus strand). Cytogenetic location: 1p36.22.
Variant type: single nucleotide variant.
Coding change: c.242C>T on transcript NM_015378.4 (MANE Select); coding-DNA position 242, C replaced by T.
Protein change: p.Ser81Phe; replaces serine 81 with phenylalanine.
Molecular consequence: missense variant.
Genome position (GRCh38, 1-based): chr1:12,244,312, C>T. VCF-style: chr1-12244312-C-T. GRCh37 (hg19) VCF-style: chr1-12304369-C-T.
Other names: c.242C>T, p.Ser81Phe (NM_018156.4); short protein forms S81F.
Identifiers: ClinVar variation 2193205 (VCV002193205.26), dbSNP rs1020666894, ClinGen allele CA18075272.